The following continues an entry in ClinVar:

NM_000059.4(BRCA2):c.9371A>T (p.Asn3124Ile)

Gene: BRCA2. ClinVar aggregate classification (germline): Pathogenic. Pathogenic (1).

Submissions 17 to 30 of 48:

All of Us Research Program, National Institutes of Health
Classification: Pathogenic for BRCA2-related cancer predisposition. Last evaluated: 2024-03-25. Review status: criteria provided, single submitter. Criteria: ACMG Guidelines, 2015. Collection method: clinical testing. Allele origin: germline. Inheritance: Autosomal dominant inheritance. Observed: 3 variant alleles, 3 heterozygotes. Not counted in ClinVar's aggregate classification.
Comment: This missense variant replaces asparagine with isoleucine at codon 3124 in the DNA binding domain of the BRCA2 protein. Computational prediction suggests that this variant may have deleterious impact on protein structure and function (internally defined REVEL score threshold 0.5 < inconclusive < 0.7, PMID: 27666373). Functional studies have shown that this variant results in the loss of homology-directed repair activity of the BRCA2 protein (PMID: 22678057, 23108138, 29394989, 29988080, 33609447, 33964450). This variant has been reported in more than 20 individuals affected with breast cancer and ovarian cancer (PMID: 11102977, 11139248, 11802209, 20383589, 21232165, 21965345, 22366370, 24728577, 26786923, 26843898, 27616075, 30040829, 34399810). This variant has shown a significant association with breast cancer in a large case-control study conducted by the BRIDGES consortium (14/60466 cases, 1/53461 controls; OR=12.381 (95%CI 1.628 to 94.157); p-value=0.001; Leiden Open Variation Database DB-ID BRCA2_000450). This variant has been identified in 1/251346 chromosomes in the general population by the Genome Aggregation Database (gnomAD). Based on the available evidence, this variant is classified as Pathogenic.

This study involves interpretation of variants in research participants for the purpose of population health screening. Participant phenotype was not available at the time of variant classification. Additional details can be found in publication PMID: 35346344, PMCID: PMC8962531

Baylor Genetics
Classification: Pathogenic for Familial cancer of breast. Last evaluated: 2023-12-19. Review status: criteria provided, single submitter. Criteria: ACMG Guidelines, 2015. Collection method: clinical testing. Allele origin: unknown. Not counted in ClinVar's aggregate classification.

GeneDx
Classification: Pathogenic. Last evaluated: 2023-12-18. Review status: criteria provided, single submitter. Criteria: GeneDx Variant Classification Process June 2021. Collection method: clinical testing. Allele origin: germline. Affected: yes. Not counted in ClinVar's aggregate classification.
Comment: Observed in individuals with BRCA2-related cancers and described as a recurrent pathogenic variant in the Eastern European population (PMID: 11139248, 21965345, 20383589, 22366370, 24728577, 25452441, 25948282, 26786923, 26843898, 29161300); Published functional studies demonstrate a damaging effect: defective homology-directed DNA break repair, impaired protein structure and stability, and sensitivity to PARP inhibitors (PMID: 22678057, 23108138, 29394989, 29884841, 32444794, 33964450, 33609447, 35736817); In silico analysis supports that this missense variant has a deleterious effect on protein structure/function; Not observed at significant frequency in large population cohorts (gnomAD); Also known as 9599A>T; This variant is associated with the following publications: (PMID: 24323938, 21965345, 16284991, 20383589, 11102977, 22366370, 28888541, 29161300, 11139248, 22729890, 21232165, 25782689, 26843898, 25948282, 23108138, 26219265, 25452441, 22678057, 21120943, 26689913, 18724707, 19043619, 23583677, 11452040, 24728577, 26786923, 27153395, 28324225, 28873162, 25085752, 11802209, 28715532, 29387975, 29506128, 29394989, 31131967, 29907814, 29988080, 29446198, 31159747, 29884841, 32444794, 34597585, 34426522, 34399810, 30787465, 30613976, 31360904, 33964450, 33609447, 35665744, 35736817, 35264596, 30040829, 29922827, 32772980, 12228710, 27535533, 21990134)

Revvity Omics, Revvity
Classification: Pathogenic. Last evaluated: 2022-10-01. Review status: criteria provided, single submitter. Criteria: ACMG Guidelines, 2015. Collection method: clinical testing. Allele origin: germline. Not counted in ClinVar's aggregate classification.

Human Genetics Bochum, Ruhr University Bochum
Classification: Pathogenic for Breast-ovarian cancer, familial, susceptibility to, 2. Last evaluated: 2022-02-04. Review status: criteria provided, single submitter. Criteria: ACMG Guidelines, 2015. Collection method: clinical testing. Allele origin: germline. Affected: yes. Not counted in ClinVar's aggregate classification.
Comment: ACMG criteria used to clasify this variant: PP3, PS3, PM1, PS4, PM2

Institute of Human Genetics Munich, TUM University Hospital
Classification: Pathogenic for Breast-ovarian cancer, familial, susceptibility to, 2. Last evaluated: 2021-12-21. Review status: criteria provided, single submitter. Criteria: Classification criteria August 2017. Collection method: clinical testing. Allele origin: germline. Inheritance: Autosomal dominant inheritance. Affected: yes. Observed: 1 variant allele. Not counted in ClinVar's aggregate classification.

Institute for Clinical Genetics, University Hospital TU Dresden, University Hospital TU Dresden
Classification: Pathogenic. Last evaluated: 2021-11-03. Review status: criteria provided, single submitter. Criteria: ACMG Guidelines, 2015. Collection method: clinical testing. Allele origin: germline. Not counted in ClinVar's aggregate classification.

MGZ Medical Genetics Center
Classification: Pathogenic for Familial cancer of breast. Last evaluated: 2021-08-26. Review status: criteria provided, single submitter. Criteria: ACMG Guidelines, 2015. Collection method: clinical testing. Allele origin: germline. Affected: yes. Observed: 3 variant alleles. Not counted in ClinVar's aggregate classification.
Comment: ACMG criteria applied: PS4, PP1_STR, PS3_MOD, PM2_SUP, PP3

Women's Health and Genetics/Laboratory Corporation of America, LabCorp
Classification: Pathogenic for Hereditary breast ovarian cancer syndrome. Last evaluated: 2021-03-03. Review status: criteria provided, single submitter. Criteria: LabCorp Variant Classification Summary - May 2015. Collection method: clinical testing. Allele origin: germline. Not counted in ClinVar's aggregate classification.
Comment: Variant summary: BRCA2 c.9371A>T (p.Asn3124Ile) results in a non-conservative amino acid change located in the BRCA2, OB3 domain (IPR015188) of the encoded protein sequence. Five of five in-silico tools predict a damaging effect of the variant on protein function. The variant allele was found at a frequency of 3.9e-06 in 257878 control chromosomes (gnomAD and publication data). c.9371A>T has been reported in the literature in multiple individuals affected with Hereditary Breast And Ovarian Cancer Syndrome (Biswas_2012, Surowy_2014, Rebbeck_2018). Additionally, the single largest study of families presenting with this variant reports the suggestive co-segregation (20 families tested; variant present in 7 unaffected family members and variant absent in 3 affected family members) and provides likelyhood ratio data that is suggestive, but not entirely conclusive, of pathogenicity (Biswas_2012). These data indicate that the variant is very likely to be associated with disease. One co-occurrence with another pathogenic variant has been reported (BRCA1 c.5209A>T, p.Arg1737Ter, BIC database). Functional studies show the variant to disrupts BRCA2 homology-directed DNA break repair activity, and that it is unable to rescue the phenotype in BRCA2 null (Guidugli_2012, Biswas_2012, Ikegami_2020). Another study showed no accumulation of increased chromosomal damage in lymphocytes from a carrier after irradiation (Becker_2012). 20 ClinVar submitters (evaluation after 2014) cite the variant pathogenic (n=12) and likely pathogenic (n=8) , including one expert panel (ENIGMA) classified this variant as pathogenic. Based on the evidence outlined above, the variant was classified as pathogenic.

Institute of Medical Genetics and Applied Genomics, University Hospital Tübingen
Classification: Pathogenic. Last evaluated: 2020-10-23. Review status: criteria provided, single submitter. Criteria: ACMG Guidelines, 2015. Collection method: clinical testing. Allele origin: germline. Inheritance: Unknown mechanism. Affected: yes. Not counted in ClinVar's aggregate classification.

Department of Molecular Diagnostics, Institute of Oncology Ljubljana
Classification: Likely pathogenic for Breast-ovarian cancer, familial, susceptibility to, 1. Last evaluated: 2020-04-02. Review status: criteria provided, single submitter. Criteria: ACMG Guidelines, 2015. Collection method: clinical testing. Allele origin: germline. Affected: yes. Not counted in ClinVar's aggregate classification.

GeneKor MSA
Classification: Likely pathogenic for Hereditary Breast Carcinoma. Last evaluated: 2020-01-01. Review status: criteria provided, single submitter. Criteria: ACMG Guidelines, 2015. Collection method: clinical testing. Allele origin: germline. Affected: yes. Not counted in ClinVar's aggregate classification.
Comment: This sequence change replaces Asparagine with Isoleucine at codon 3124 of the BRCA2 protein. The asparagine residue is highly conserved and is located in the oligonucleotide/oligosaccharide-binding, domain of the protein. There is a large physiochemical difference between asparagine and isoleucine (Grantham Score 149). This variant, also known as 9599A>T using an alternate transcript, has been reported in multiple individuals and families affected by breast and ovarian cancer (PMID: 11102977, 16284991, 18703817, 21120943, 21232165, 21965345, 22366370, 22729890, 25948282) and has been shown in epidemiological studies to be a common cause of breast and ovarian cancer in Poland and Germany (PMID: 11802209, 20383589, 24728577, 25948282). This variant is present in population databases at a low frequency (rs28897759, ExAC 0.003%). The mutation database ClinVar contains multiple entries for this variant (Variation ID: 38233).

Mendelics
Classification: Likely pathogenic for Breast-ovarian cancer, familial, susceptibility to, 2. Last evaluated: 2019-05-28. Review status: criteria provided, single submitter. Criteria: Mendelics Assertion Criteria 2017. Collection method: clinical testing. Allele origin: unknown. Not counted in ClinVar's aggregate classification.

Cancer Variant Interpretation Group UK, Institute of Cancer Research, London
Classification: Likely pathogenic for Hereditary Breast and Ovarian Cancer. Last evaluated: 2018-10-10. Review status: criteria provided, single submitter. Criteria: ACMG Guidelines, 2015. Collection method: curation. Allele origin: germline. Not counted in ClinVar's aggregate classification.
Comment: Data used in classification: This variant is predicted deleterious on AlignGVGD (class: C65), SIFT (Deleterious), Polyphen2 HumVar (probably damaging) and CADD (22.4) (PP3_sup). The variant is in the DNA-binding domain of BRCA2 (PM1_sup). In the BRCA2 Homology-Directed Repair Activity assay for the DNA Binding Domain (Guidugli et al Cancer Res 2013;73:265-275,Couch Lab), the variant has a probability of pathogenicity of 1.0 (PS3_strong). This variant is classified on ClinVar as pathogenic by multiple USA accredited diagnostic laboratories (PP5_sup). Data not used in classification: The frequency of this variant is 2/123,053 individuals (gnomAD). There are additional reports of this variant in UMD (6), BIC (17), and BRCA2 LOVD (1).